The following is an entry in ClinVar:

ClinVar aggregate classification (germline): Conflicting classifications of pathogenicity. Review status: criteria provided, conflicting classifications (1 of 4 stars). 3 submissions from 3 submitters: Uncertain significance (1); Likely benign (2). Last evaluated 2025-12-15.

Conditions:
Inborn genetic diseases. Identifiers: MedGen C0950123, MeSH D030342.
Hereditary angioedema type 1 (HAE1). Identifiers: Orphanet 100050, Orphanet 100051, Orphanet 91378, MedGen C2717906, MONDO:0015053, OMIM 106100.

Allele frequency attached by ClinVar (database versions not stated): ExAC 0.00010; gnomAD exomes 0.00011 and 0.00024; ESP Exome Variant Server 0.00015; gnomAD 0.00016 and 0.00017; TOPMed 0.00017.

Submissions (3):

Labcorp Genetics (formerly Invitae), Labcorp
Classification: Likely benign. Last evaluated: 2025-12-15. Review status: criteria provided, single submitter. Criteria: Invitae Variant Classification Sherloc (09022015). Collection method: clinical testing. Allele origin: germline.

Illumina Laboratory Services, Illumina
Classification: Likely benign for Hereditary angioedema type 1. Last evaluated: 2018-01-13. Review status: criteria provided, single submitter. Criteria: ICSL Variant Classification Criteria 13 December 2019. Collection method: clinical testing. Allele origin: germline.
Comment: This variant was observed in the ICSL laboratory as part of a predisposition screen in an ostensibly healthy population. It had not been previously curated by ICSL or reported in the Human Gene Mutation Database (HGMD: prior to June 1st, 2018), and was therefore a candidate for classification through an automated scoring system. Utilizing variant allele frequency, disease prevalence and penetrance estimates, and inheritance mode, an automated score was calculated to assess if this variant is too frequent to cause the disease. Based on the score and internal cut-off values, a variant classified as likely benign is not then subjected to further curation. The score for this variant resulted in a classification of likely benign for this disease.

Ambry Genetics
Classification: Uncertain significance for Inborn genetic diseases. Last evaluated: 2017-11-20. Review status: criteria provided, single submitter. Criteria: Ambry Variant Classification Scheme 2023. Collection method: clinical testing. Allele origin: germline.
Comment: The p.M388I variant (also known as c.1164G>A), located in coding exon 6 of the SERPING1 gene, results from a G to A substitution at nucleotide position 1164. The methionine at codon 388 is replaced by isoleucine, an amino acid with highly similar properties. This amino acid position is not well conserved in available vertebrate species. In addition, this alteration is predicted to be tolerated by in silico analysis. Since supporting evidence is limited at this time, the clinical significance of this alteration remains unclear.

NM_000062.3(SERPING1):c.1164G>A (p.Met388Ile)

Gene: SERPING1 (serpin family G member 1; plus strand). Cytogenetic location: 11q12.1.
Variant type: single nucleotide variant.
Coding change: c.1164G>A on transcript NM_000062.3 (MANE Select); coding-DNA position 1164, G replaced by A.
Protein change: p.Met388Ile; replaces methionine 388 with isoleucine.
Molecular consequence: missense variant.
Genome position (GRCh38, 1-based): chr11:57,611,851, G>A. VCF-style: chr11-57611851-G-A. GRCh37 (hg19) VCF-style: chr11-57379324-G-A.
Other names: c.1164G>A, p.Met388Ile (NM_001032295.2); short protein forms M388I.
Identifiers: ClinVar variation 877133 (VCV000877133.14), dbSNP rs141529833, ClinGen allele CA6008234.